The following is an entry in ClinVar:

ClinVar aggregate classification (germline): Uncertain significance (0 of 4 stars; one submission).

Conditions:
RERE-related disorder. Also called: RERE-Related Disorders; RERE-related condition. Identifiers: MedGen CN381537.

Submission:

PreventionGenetics, part of Exact Sciences
Classification: Uncertain significance for RERE-related condition. Last evaluated: 2024-07-30. Review status: no assertion criteria provided. Collection method: clinical testing. Allele origin: germline.
Comment: The RERE c.2683C>T variant is predicted to result in the amino acid substitution p.His895Tyr. To our knowledge, this variant has not been reported in the literature or in a large population database, indicating this variant is rare. At this time, the clinical significance of this variant is uncertain due to the absence of conclusive functional and genetic evidence.

NM_001042681.2(RERE):c.2683C>T (p.His895Tyr)

Gene: RERE (arginine-glutamic acid dipeptide repeats; minus strand). Cytogenetic location: 1p36.23.
Variant type: single nucleotide variant.
Coding change: c.2683C>T on transcript NM_001042681.2 (MANE Select); coding-DNA position 2683, C replaced by T.
Protein change: p.His895Tyr; replaces histidine 895 with tyrosine.
Molecular consequence: missense variant.
Genome position (GRCh38, 1-based): chr1:8,360,824, G>A on the plus strand (C>T on the coding strand, the complement: RERE is on the minus strand). VCF-style: chr1-8360824-G-A. GRCh37 (hg19) VCF-style: chr1-8420884-G-A.
Other names: c.1021C>T, p.His341Tyr (NM_001042682.2); c.2683C>T, p.His895Tyr (NM_012102.4); short protein forms H341Y, H895Y.
Identifiers: ClinVar variation 3345858 (VCV003345858.1).